The following is an entry in ClinVar:

NM_182914.3(SYNE2):c.10697+4_10697+10del

Gene: SYNE2 (spectrin repeat containing nuclear envelope protein 2; plus strand). Cytogenetic location: 14q23.2.
Variant type: Deletion.
Coding change: c.10697+4_10697+10del on transcript NM_182914.3 (MANE Select); bases 4 to 10 of the intron after coding-DNA position 10697, 7 bases deleted (AGATTTA; older notation c.10697+4_10697+10delAGATTTA).
Molecular consequence: splice donor variant.
Genome position (GRCh38, 1-based): chr14:64,070,914-64,070,920, AGATTTA deleted; deleting any 7 consecutive bases within chr14:64,070,912-64,070,920 gives the same sequence; the c. name uses the placement nearest the transcript's 3' end. VCF-style (leftmost placement, unchanged base first): chr14-64070911-GTAAGATT-G. GRCh37 (hg19) VCF-style: chr14-64537629-GTAAGATT-G.
Other names: c.10697+4_10697+10del (NM_015180.6).
Identifiers: ClinVar variation 1003099 (VCV001003099.6), dbSNP rs1430702045, ClinGen allele CA614401020.

ClinVar aggregate classification (germline): Uncertain significance (1 of 4 stars; one submission).

Conditions:
Emery-Dreifuss muscular dystrophy 5, autosomal dominant (EDMD5). Also called: EMERY-DREIFUSS MUSCULAR DYSTROPHY 5. Identifiers: Orphanet 261, MedGen C2751805, MONDO:0013072, OMIM 612999.

Submission:

Labcorp Genetics (formerly Invitae), Labcorp
Classification: Uncertain significance for Emery-Dreifuss muscular dystrophy 5, autosomal dominant. Last evaluated: 2021-04-19. Review status: criteria provided, single submitter. Criteria: Invitae Variant Classification Sherloc (09022015). Collection method: clinical testing. Allele origin: germline.
Comment: This sequence change falls in intron 52 of the SYNE2 gene. It does not directly change the encoded amino acid sequence of the SYNE2 protein, but it affects a nucleotide within the consensus splice site of the intron. This variant is not present in population databases (ExAC no frequency). This variant has not been reported in the literature in individuals with SYNE2-related conditions. Nucleotide substitutions within the consensus splice site are a relatively common cause of aberrant splicing (PMID: 17576681, 9536098). Algorithms developed to predict the effect of sequence changes on RNA splicing suggest that this variant may disrupt the consensus splice site, but this prediction has not been confirmed by published transcriptional studies. In summary, the available evidence is currently insufficient to determine the role of this variant in disease. Therefore, it has been classified as a Variant of Uncertain Significance.

Literature cited by the submitters: PubMed 17576681; PubMed 9536098.